The following is an entry in ClinVar:

ClinVar aggregate classification (germline): Likely benign (1 of 4 stars; one submission).

gnomAD v4.1: 24 of 1,613,980 alleles (0.0015%); highest among the groups gnomAD compares: East Asian, 0.0022%; no homozygotes.

Submission:

CeGaT Center for Human Genetics Tuebingen
Classification: Likely benign. Last evaluated: 2024-09-01. Review status: criteria provided, single submitter. Criteria: CeGaT Center For Human Genetics Tuebingen Variant Classification Criteria Version 2. Collection method: clinical testing. Allele origin: germline. Affected: yes. Observed: 1 variant allele.
Comment: SOX6: BP4, BP7

NM_001367873.1(SOX6):c.2358C>T (p.Gly786=)

Gene: SOX6 (SRY-box transcription factor 6; minus strand). Cytogenetic location: 11p15.2.
Variant type: single nucleotide variant.
Coding change: c.2358C>T on transcript NM_001367873.1 (MANE Select); coding-DNA position 2358, C replaced by T.
Protein change: p.Gly786=; no amino-acid change (glycine 786 retained).
Molecular consequence: synonymous variant.
Genome position (GRCh38, 1-based): chr11:15,972,938, G>A on the plus strand (C>T on the coding strand, the complement: SOX6 is on the minus strand). VCF-style: chr11-15972938-G-A. GRCh37 (hg19) VCF-style: chr11-15994484-G-A.
Other names: c.2277C>T, p.Gly759= (NM_001145811.2, NM_017508.3); c.2358C>T, p.Gly786= (NM_001145819.2); c.2235C>T, p.Gly745= (NM_001367872.1); c.2298C>T, p.Gly766= (NM_033326.3).
Identifiers: ClinVar variation 3389056 (VCV003389056.14).